The following is an entry in ClinVar:

NM_002700.3(POU4F3):c.690G>T (p.Arg230Ser)

Genes: POU4F3 (POU class 4 homeobox 3; plus strand), RBM27-POU4F3 (RBM27-POU4F3 readthrough; plus strand). Cytogenetic location: 5q32.
Variant type: single nucleotide variant.
Coding change: c.690G>T on transcript NM_002700.3 (MANE Select); coding-DNA position 690, G replaced by T.
Protein change: p.Arg230Ser; replaces arginine 230 with serine.
Molecular consequence: missense variant. On other transcripts: 3 prime UTR variant (1).
Genome position (GRCh38, 1-based): chr5:146,340,117, G>T. VCF-style: chr5-146340117-G-T. GRCh37 (hg19) VCF-style: chr5-145719680-G-T.
Other names: c.*559G>T (NM_001414499.1); short protein forms R230S.
Identifiers: ClinVar variation 3659693 (VCV003659693.2).

ClinVar aggregate classification (germline): Uncertain significance (1 of 4 stars; one submission).

gnomAD v4.1: 3 of 1,614,176 alleles (0.00019%); highest among the groups gnomAD compares: Non-Finnish European, 0.00025%; no homozygotes.

Submission:

Labcorp Genetics (formerly Invitae), Labcorp
Classification: Uncertain significance. Last evaluated: 2024-08-01. Review status: criteria provided, single submitter. Criteria: Invitae Variant Classification Sherloc (09022015). Collection method: clinical testing. Allele origin: germline.
Comment: This sequence change replaces arginine, which is basic and polar, with serine, which is neutral and polar, at codon 230 of the POU4F3 protein (p.Arg230Ser). This variant is present in population databases (rs781045522, gnomAD 0.0009%). This missense change has been observed in individual(s) with nonsyndromic deafness (PMID: 30622556). Advanced modeling of protein sequence and biophysical properties (such as structural, functional, and spatial information, amino acid conservation, physicochemical variation, residue mobility, and thermodynamic stability) performed at Invitae indicates that this missense variant is expected to disrupt POU4F3 protein function with a positive predictive value of 80%. In summary, the available evidence is currently insufficient to determine the role of this variant in disease. Therefore, it has been classified as a Variant of Uncertain Significance.

Literature cited by the submitters: PubMed 30622556.